The following is an entry in ClinVar:

NM_001205293.3(CACNA1E):c.1408C>G (p.Arg470Gly)

Gene: CACNA1E (calcium voltage-gated channel subunit alpha1 E; plus strand). Cytogenetic location: 1q25.3.
Variant type: single nucleotide variant.
Coding change: c.1408C>G on transcript NM_001205293.3 (MANE Select); coding-DNA position 1408, C replaced by G.
Protein change: p.Arg470Gly; replaces arginine 470 with glycine.
Molecular consequence: missense variant.
Genome position (GRCh38, 1-based): chr1:181,717,185, C>G. VCF-style: chr1-181717185-C-G. GRCh37 (hg19) VCF-style: chr1-181686321-C-G.
Other names: c.1408C>G, p.Arg470Gly (NM_000721.4, NM_001205294.2); short protein forms R470G.
Identifiers: ClinVar variation 4799984 (VCV004799984.1).

ClinVar aggregate classification (germline): Uncertain significance (1 of 4 stars; one submission).

Submission:

Labcorp Genetics (formerly Invitae), Labcorp
Classification: Uncertain significance. Last evaluated: 2025-03-18. Review status: criteria provided, single submitter. Criteria: Invitae Variant Classification Sherloc (09022015). Collection method: clinical testing. Allele origin: germline.
Comment: This sequence change replaces arginine, which is basic and polar, with glycine, which is neutral and non-polar, at codon 470 of the CACNA1E protein (p.Arg470Gly). This variant is not present in population databases (gnomAD no frequency). This variant has not been reported in the literature in individuals affected with CACNA1E-related conditions. Invitae Evidence Modeling of protein sequence and biophysical properties (such as structural, functional, and spatial information, amino acid conservation, physicochemical variation, residue mobility, and thermodynamic stability) has been performed for this missense variant. However, the output from this modeling did not meet the statistical confidence thresholds required to predict the impact of this variant on CACNA1E protein function. In summary, the available evidence is currently insufficient to determine the role of this variant in disease. Therefore, it has been classified as a Variant of Uncertain Significance.